The following is an entry in ClinVar:

ClinVar aggregate classification (germline): Pathogenic (1 of 4 stars; one submission).

Submission:

Labcorp Genetics (formerly Invitae), Labcorp
Classification: Pathogenic. Last evaluated: 2025-11-10. Review status: criteria provided, single submitter. Criteria: Invitae Variant Classification Sherloc (09022015). Collection method: clinical testing. Allele origin: germline.
Comment: This sequence change inserts a large fragment of DNA, likely a transposable element, in exon 22 of the PHEX gene (c.2173_2174ins?), causing a frameshift at codon 725 (p.Glu725fs). The exact size and sequence of the insertion cannot be determined by the current assay. However, the insertion is expected to result in an absent or disrupted protein product. This variant is not present in population databases (gnomAD no frequency). This variant has not been reported in the literature in individuals affected with PHEX-related conditions. Retrotransposon insertions including LINE1 (L1), Alu, and SVA (SINE-VNTR-Alu) have been reported to be disease-causing through disruption of either a coding region or splice site (PMID: 19763152, 20307669, 22406018) and loss-of-function variants in PHEX are known to be pathogenic (PMID: 9097956, 9106524, 19219621). For these reasons, this variant has been classified as Pathogenic.

Literature cited by the submitters: PubMed 19763152; PubMed 20307669; PubMed 22406018; PubMed 9097956; PubMed 9106524; PubMed 19219621.

NM_000444.6(PHEX):c.2173_2174insTTTTTTTTTTTTTTTTTTTTNNNNNNNNNNCCGTCTTCTGCGTCGCTCACGCTGGGAGCTGTAGACCGGAGCTGTTCCTATTCGGCCATCTTGGCTCCTCCCTTCCAATTAGTAACTTTG (p.Phe724_Glu725insValPhePhePhePhePhePheXaaXaaXaaXaaValPheCysValAlaHisAlaGlySerCysArgProGluLeuPheLeuPheGlyHisLeuGlySerSerLeuProIleSerAsnPhe)

Genes: PHEX (phosphate regulating endopeptidase X-linked; plus strand), PTCHD1-AS (PTCHD1 and PHEX antisense RNA; minus strand). Cytogenetic location: Xp22.11.
Variant type: Insertion.
Coding change: c.2173_2174insTTTTTTTTTTTTTTTTTTTTNNNNNNNNNNCCGTCTTCTGCGTCGCTCACGCTGGGAGCTGTAGACCGGAGCTGTTCCTATTCGGCCATCTTGGCTCCTCCCTTCCAATTAGTAACTTTG on transcript NM_000444.6 (MANE Select); coding-DNA positions 2173 to 2174, TTTTTTTTTTTTTTTTTTTTNNNNNNNNNNCCGTCTTCTGCGTCGCTCACGCTGGGAGCTGTAGACCGGAGCTGTTCCTATTCGGCCATCTTGGCTCCTCCCTTCCAATTAGTAACTTTG inserted.
Protein change: p.Phe724_Glu725insValPhePhePhePhePhePheXaaXaaXaaXaaValPheCysValAlaHisAlaGlySerCysArgProGluLeuPheLeuPheGlyHisLeuGlySerSerLeuProIleSerAsnPhe.
Molecular consequence: inframe insertion. On other transcripts: no sequence alteration (1).
Genome position: GRCh38: chrX:22,247,876-22,247,877. GRCh37 (hg19): chrX:22,265,993-22,265,994.
Other names: c.*8_*9insTTTTTTTTTTTTTTTTTTTTNNNNNNNNNNCCGTCTTCTGCGTCGCTCACGCTGGGAGCTGTAGACCGGAGCTGTTCCTATTCGGCCATCTTGGCTCCTCCCTTCCAATTAGTAACTTTG, p.Cys694_Ter696= (NM_001282754.2).
Identifiers: ClinVar variation 2708849 (VCV002708849.3), dbSNP rs2518713660.